The following is an entry in ClinVar:

NM_004360.5(CDH1):c.931C>A (p.Leu311Ile)

Gene: CDH1 (cadherin 1; plus strand). Cytogenetic location: 16q22.1.
Variant type: single nucleotide variant.
Coding change: c.931C>A on transcript NM_004360.5 (MANE Select); coding-DNA position 931, C replaced by A.
Protein change: p.Leu311Ile; replaces leucine 311 with isoleucine.
Molecular consequence: missense variant. On other transcripts: 5 prime UTR variant (2).
Genome position (GRCh38, 1-based): chr16:68,811,782, C>A. VCF-style: chr16-68811782-C-A. GRCh37 (hg19) VCF-style: chr16-68845685-C-A.
Other names: c.931C>A, p.Leu311Ile (NM_001317184.2); c.-685C>A (NM_001317185.2); c.-889C>A (NM_001317186.2); short protein forms L311I.
Identifiers: ClinVar variation 823166 (VCV000823166.14), dbSNP rs767003567, ClinGen allele CA8129955.

ClinVar aggregate classification (germline): Conflicting classifications of pathogenicity. Review status: criteria provided, conflicting classifications (1 of 4 stars). 2 submissions from 2 submitters: Uncertain significance (1); Likely benign (1). Last evaluated 2024-07-06.

Conditions:
Hereditary cancer-predisposing syndrome. Also called: Hereditary Cancer Syndrome; Neoplastic Syndromes, Hereditary; Hereditary neoplastic syndrome; Tumor predisposition. Identifiers: Orphanet 140162, MedGen C0027672, MeSH D009386, MONDO:0015356.
Hereditary diffuse gastric adenocarcinoma (HDGC). Also called: DIFFUSE GASTRIC AND LOBULAR BREAST CANCER SYNDROME. Identifiers: Orphanet 26106, MedGen C1708349, MONDO:0007648, OMIM 137215.

Allele frequency attached by ClinVar (database versions not stated): gnomAD exomes below 0.00001; TOPMed below 0.00001; ExAC 0.00001; gnomAD 0.00001.
gnomAD v4.1: 1 of 1,613,986 alleles (0.000062%); highest among the groups gnomAD compares: African/African-American, 0.0013%; no homozygotes.

Submissions (2):

Ambry Genetics
Classification: Likely benign for Hereditary cancer-predisposing syndrome. Last evaluated: 2024-07-06. Review status: criteria provided, single submitter. Criteria: Ambry Variant Classification Scheme 2023. Collection method: clinical testing. Allele origin: germline.

Labcorp Genetics (formerly Invitae), Labcorp
Classification: Uncertain significance for Hereditary diffuse gastric adenocarcinoma. Last evaluated: 2023-11-15. Review status: criteria provided, single submitter. Criteria: Invitae Variant Classification Sherloc (09022015). Collection method: clinical testing. Allele origin: germline.
Comment: This sequence change replaces leucine, which is neutral and non-polar, with isoleucine, which is neutral and non-polar, at codon 311 of the CDH1 protein (p.Leu311Ile). This variant is present in population databases (rs767003567, gnomAD 0.007%). This variant has not been reported in the literature in individuals affected with CDH1-related conditions. ClinVar contains an entry for this variant (Variation ID: 823166). An algorithm developed to predict the effect of missense changes on protein structure and function (PolyPhen-2) suggests that this variant is likely to be tolerated. In summary, the available evidence is currently insufficient to determine the role of this variant in disease. Therefore, it has been classified as a Variant of Uncertain Significance.